The following is an entry in ClinVar:

ClinVar aggregate classification (germline): Likely benign. Review status: criteria provided, multiple submitters, no conflicts (2 of 4 stars). 4 submissions from 4 submitters: Likely benign (2). 2 of the submissions do not count toward it. Last evaluated 2026-01-28.

Conditions:
Aicardi Goutieres syndrome (AGS). Also called: Encephalopathy, familial infantile, with calcification of basal ganglia and chronic cerebrospinal fluid lymphocytosis. Identifiers: Orphanet 51, MedGen C0393591, MONDO:0018866.
SAMHD1-related disorder. Also called: SAMHD1-related condition.
Aicardi-Goutieres syndrome 5. Identifiers: Orphanet 51, MedGen C2749659, MONDO:0013059, OMIM 612952.

Allele frequency attached by ClinVar (database versions not stated): gnomAD exomes 0.00002 and 0.00008; ExAC 0.00010; gnomAD 0.00034 and 0.00036; TOPMed 0.00036; ESP Exome Variant Server 0.00046; 1000 Genomes Project 30x 0.00047; 1000 Genomes Project 0.00060.
gnomAD v4.1: 89 of 1,613,376 alleles (0.0055%); highest among the groups gnomAD compares: African/African-American, 0.11%; no homozygotes.

Submissions (4):

Labcorp Genetics (formerly Invitae), Labcorp
Classification: Likely benign for Aicardi-Goutieres syndrome 5. Last evaluated: 2026-01-28. Review status: criteria provided, single submitter. Criteria: Invitae Variant Classification Sherloc (09022015). Collection method: clinical testing. Allele origin: germline.

Blueprint Genetics
Classification: Likely benign. Last evaluated: 2023-07-12. Review status: criteria provided, single submitter. Criteria: ACMG Guidelines, 2015. Collection method: clinical testing. Allele origin: germline.

PreventionGenetics, part of Exact Sciences
Classification: Likely benign for SAMHD1-related condition. Last evaluated: 2024-09-06. Review status: no assertion criteria provided. Collection method: clinical testing. Allele origin: germline. Not counted in ClinVar's aggregate classification.
Comment: This variant is classified as likely benign based on ACMG/AMP sequence variant interpretation guidelines (Richards et al. 2015 PMID: 25741868, with internal and published modifications).

Natera, Inc.
Classification: Uncertain significance for Aicardi-Goutieres syndrome. Last evaluated: 2020-01-24. Review status: no assertion criteria provided. Collection method: clinical testing. Allele origin: germline. Not counted in ClinVar's aggregate classification.

NM_015474.4(SAMHD1):c.768A>G (p.Gln256=)

Gene: SAMHD1 (SAM and HD domain containing deoxynucleoside triphosphate triphosphohydrolase 1; minus strand). Cytogenetic location: 20q11.23.
Variant type: single nucleotide variant.
Coding change: c.768A>G on transcript NM_015474.4 (MANE Select); coding-DNA position 768, A replaced by G.
Protein change: p.Gln256=; no amino-acid change (glutamine 256 retained).
Molecular consequence: synonymous variant.
Genome position (GRCh38, 1-based): chr20:36,919,448, T>C on the plus strand (A>G on the coding strand, the complement: SAMHD1 is on the minus strand). VCF-style: chr20-36919448-T-C. GRCh37 (hg19) VCF-style: chr20-35547851-T-C.
Other names: c.768A>G, p.Gln256= (NM_001363729.2, NM_001363733.2).
Identifiers: ClinVar variation 739833 (VCV000739833.14), dbSNP rs140804613, ClinGen allele CA9844648.